The following is an entry in ClinVar:

NM_001127208.3(TET2):c.3053A>T (p.Asn1018Ile)

Genes: TET2 (tet methylcytosine dioxygenase 2; plus strand), TET2-AS1 (TET2 antisense RNA 1; minus strand). Cytogenetic location: 4q24.
Variant type: single nucleotide variant.
Coding change: c.3053A>T on transcript NM_001127208.3 (MANE Select); coding-DNA position 3053, A replaced by T.
Protein change: p.Asn1018Ile; replaces asparagine 1018 with isoleucine.
Molecular consequence: missense variant.
Genome position (GRCh38, 1-based): chr4:105,236,995, A>T. VCF-style: chr4-105236995-A-T. GRCh37 (hg19) VCF-style: chr4-106158152-A-T.
Other names: c.3053A>T, p.Asn1018Ile (NM_017628.4); short protein forms N1018I.
Identifiers: ClinVar variation 4182956 (VCV004182956.1).

ClinVar aggregate classification (germline): Uncertain significance (1 of 4 stars; one submission).

Submission:

Ambry Genetics
Classification: Uncertain significance. Last evaluated: 2025-07-11. Review status: criteria provided, single submitter. Criteria: Ambry Variant Classification Scheme 2023. Collection method: clinical testing. Allele origin: germline.
Comment: The p.N1018I variant (also known as c.3053A>T), located in coding exon 1 of the TET2 gene, results from an A to T substitution at nucleotide position 3053. The asparagine at codon 1018 is replaced by isoleucine, an amino acid with dissimilar properties. This amino acid position is conserved. In addition, this alteration is predicted to be tolerated by in silico analysis. Based on the available evidence, the clinical significance of this variant remains unclear.